The following is an entry in ClinVar:

ClinVar aggregate classification (germline): Conflicting classifications of pathogenicity. Review status: criteria provided, conflicting classifications (1 of 4 stars). 9 submissions from 8 submitters: Uncertain significance (2); Benign (1); Likely benign (5). 1 of the submissions does not count toward it. Last evaluated 2026-08-01.

Conditions:
WHRN-related disorder. Also called: WHRN-related condition.
Autosomal recessive nonsyndromic hearing loss 31. Also called: WHIRLER, MOUSE, HOMOLOG OF. Identifiers: Orphanet 90636, MedGen C1846839, MONDO:0011767, OMIM 607084.
Usher syndrome type 2D. Also called: USHER SYNDROME, TYPE IID. Identifiers: Orphanet 231178, Orphanet 886, MedGen C1568249, MONDO:0012662, OMIM 611383.

Allele frequency attached by ClinVar (database versions not stated): ESP Exome Variant Server 0.00023; ExAC 0.00024; gnomAD exomes 0.00025; gnomAD 0.00034 and 0.00035; TOPMed 0.00036; 1000 Genomes Project 30x 0.00047; 1000 Genomes Project 0.00060.
gnomAD v4.1: 688 of 1,614,000 alleles (0.043%); highest among the groups gnomAD compares: African/African-American, 0.071%; no homozygotes.

Submissions (9):

CeGaT Center for Human Genetics Tuebingen
Classification: Likely benign. Last evaluated: 2026-08-01. Review status: criteria provided, single submitter. Criteria: CeGaT Center For Human Genetics Tuebingen Variant Classification Criteria Version 2. Collection method: clinical testing. Allele origin: germline. Affected: yes. Observed: 1 variant allele.
Comment: WHRN: BP4, BP7

Labcorp Genetics (formerly Invitae), Labcorp
Classification: Likely benign. Last evaluated: 2026-02-01. Review status: criteria provided, single submitter. Criteria: Invitae Variant Classification Sherloc (09022015). Collection method: clinical testing. Allele origin: germline.

Blueprint Genetics
Classification: Likely benign. Last evaluated: 2024-10-10. Review status: criteria provided, single submitter. Criteria: ACMG Guidelines, 2015. Collection method: clinical testing. Allele origin: germline.

GeneDx
Classification: Likely benign. Last evaluated: 2020-06-09. Review status: criteria provided, single submitter. Criteria: GeneDx Variant Classification Process June 2021. Collection method: clinical testing. Allele origin: germline. Affected: yes.
Comment: See Variant Classification Assertion Criteria.

Athena Diagnostics
Classification: Benign. Last evaluated: 2019-02-25. Review status: criteria provided, single submitter. Criteria: Athena Diagnostics Criteria. Collection method: clinical testing. Allele origin: germline.

Illumina Laboratory Services, Illumina
Classification: Uncertain significance for Autosomal recessive nonsyndromic hearing loss 31. Last evaluated: 2018-01-13. Review status: criteria provided, single submitter. Criteria: ICSL Variant Classification Criteria 13 December 2019. Collection method: clinical testing. Allele origin: germline.

Illumina Laboratory Services, Illumina
Classification: Uncertain significance for Usher syndrome type 2D. Last evaluated: 2018-01-13. Review status: criteria provided, single submitter. Criteria: ICSL Variant Classification Criteria 13 December 2019. Collection method: clinical testing. Allele origin: germline.

Laboratory for Molecular Medicine, Mass General Brigham Personalized Medicine
Classification: Likely benign. Last evaluated: 2017-01-13. Review status: criteria provided, single submitter. Criteria: LMM Criteria. Collection method: clinical testing. Allele origin: germline. Observed: 2 variant alleles.
Comment: p.Pro629Pro in Exon 09 of DFNB31: This variant is not expected to have clinical significance because it does not alter an amino acid residue, is not located wit hin the splice consensus sequence, and has been identified in 17/65994 European chromosomes by the Exome Aggregation Consortium (ExAC; dbSNP rs143443833).

PreventionGenetics, part of Exact Sciences
Classification: Likely benign for WHRN-related condition. Last evaluated: 2019-06-05. Review status: no assertion criteria provided. Collection method: clinical testing. Allele origin: germline. Not counted in ClinVar's aggregate classification.
Comment: This variant is classified as likely benign based on ACMG/AMP sequence variant interpretation guidelines (Richards et al. 2015 PMID: 25741868, with internal and published modifications).

NM_015404.4(WHRN):c.1887G>A (p.Pro629=)

Gene: WHRN (whirlin; minus strand). Cytogenetic location: 9q32.
Variant type: single nucleotide variant.
Coding change: c.1887G>A on transcript NM_015404.4 (MANE Select); coding-DNA position 1887, G replaced by A.
Protein change: p.Pro629=; no amino-acid change (proline 629 retained).
Molecular consequence: synonymous variant.
Genome position (GRCh38, 1-based): chr9:114,406,704, C>T on the plus strand (G>A on the coding strand, the complement: WHRN is on the minus strand). VCF-style: chr9-114406704-C-T. GRCh37 (hg19) VCF-style: chr9-117168984-C-T.
Other names: c.738G>A, p.Pro246= (NM_001083885.3); c.1887G>A, p.Pro629= (NM_001173425.2); c.834G>A, p.Pro278= (NM_001346890.1).
Identifiers: ClinVar variation 227290 (VCV000227290.25), dbSNP rs143443833, ClinGen allele CA5205788.